The following is an entry in ClinVar:

NM_000304.4(PMP22):c.307C>T (p.Gln103Ter)

Gene: PMP22 (peripheral myelin protein 22; minus strand). Cytogenetic location: 17p12.
Variant type: single nucleotide variant.
Coding change: c.307C>T on transcript NM_000304.4 (MANE Select); coding-DNA position 307, C replaced by T.
Protein change: p.Gln103Ter; replaces glutamine 103 with a stop codon.
Molecular consequence: nonsense. On other transcripts: non-coding transcript variant (2).
Genome position (GRCh38, 1-based): chr17:15,239,483, G>A on the plus strand (C>T on the coding strand, the complement: PMP22 is on the minus strand). VCF-style: chr17-15239483-G-A. GRCh37 (hg19) VCF-style: chr17-15142800-G-A.
Other names: c.307C>T, p.Gln103Ter (NM_001281455.2, NM_001281456.2, NM_001330143.2 and 2 more transcripts); short protein forms Q103*.
Identifiers: ClinVar variation 618333 (VCV000618333.10), dbSNP rs1567704621, ClinGen allele CA398267408.

ClinVar aggregate classification (germline): Pathogenic. Review status: criteria provided, multiple submitters, no conflicts (2 of 4 stars). 3 submissions from 3 submitters: Pathogenic (2). 1 of the submissions does not count toward it. Last evaluated 2025-11-01.

Conditions:
Charcot-Marie-Tooth disease. Also called: Charcot-Marie-Tooth Neuropathy; Charcot-Marie-Tooth Hereditary Neuropathy. Identifiers: Orphanet 166, MedGen C0007959, MONDO:0015626.
Charcot-Marie-Tooth disease, type I (CMT1). Also called: Charcot-Marie-Tooth disease type 1; Charcot-Marie-Tooth, Type 1. Identifiers: Orphanet 65753, MedGen C0751036, MONDO:0019011.

Submissions (3):

Labcorp Genetics (formerly Invitae), Labcorp
Classification: Pathogenic for Charcot-Marie-Tooth disease, type I. Last evaluated: 2025-11-01. Review status: criteria provided, single submitter. Criteria: Invitae Variant Classification Sherloc (09022015). Collection method: clinical testing. Allele origin: germline.
Comment: This sequence change creates a premature translational stop signal (p.Gln103*) in the PMP22 gene. While this is not anticipated to result in nonsense mediated decay, it is expected to disrupt the last 58 amino acid(s) of the PMP22 protein. This variant is not present in population databases (gnomAD no frequency). This premature translational stop signal has been observed in individual(s) with PMP22-related neuropathy (PMID: 19909487). ClinVar contains an entry for this variant (Variation ID: 618333). This variant disrupts a region of the PMP22 protein in which other variant(s) (p.Leu145Argfs*10) have been determined to be pathogenic (PMID: 21149811, 21252112, 23965407). This suggests that this is a clinically significant region of the protein, and that variants that disrupt it are likely to be disease-causing. For these reasons, this variant has been classified as Pathogenic.

ARUP Laboratories, Molecular Genetics and Genomics, ARUP Laboratories
Classification: Pathogenic. Last evaluated: 2018-01-12. Review status: criteria provided, single submitter. Criteria: ARUP Molecular Germline Variant Investigation Process. Collection method: clinical testing. Allele origin: germline.
Comment: The PMP22 c.307C>T; p.Gln103Ter variant was reported in a father and daughter with symptoms overlapping CMT1 and DSS (Pisciotta 2009). The c.307C>T variant creates a premature termination codon in exon 3 of 5 which is predicted to result in a truncated or absent protein product, and other PMP22 premature stop variants have been reported in patients diagnosed with CMT (Numakura 2002, Abe 2004, DiVincenzo 2014). This variant is absent from the general population databases (1000 Genomes Project, Exome Variant Server, Genome Aggregation Database). Based on the available information, the c.307C>T; p.Gln103Ter variant is classified as pathogenic.

Inherited Neuropathy Consortium
Classification: Uncertain significance for Charcot-Marie-Tooth disease. Review status: no assertion criteria provided. Collection method: literature only. Allele origin: germline. Affected: yes. Not counted in ClinVar's aggregate classification.

Literature cited by the submitters: PubMed 19909487 (cited by Labcorp Genetics (formerly Invitae), Labcorp and Inherited Neuropathy Consortium); PubMed 21149811 (cited by Labcorp Genetics (formerly Invitae), Labcorp); PubMed 21252112 (cited by Labcorp Genetics (formerly Invitae), Labcorp); PubMed 23965407 (cited by Labcorp Genetics (formerly Invitae), Labcorp).